The following is an entry in ClinVar:

NM_000059.4(BRCA2):c.3434C>G (p.Pro1145Arg)

Gene: BRCA2 (BRCA2 DNA repair associated; plus strand). Cytogenetic location: 13q13.1.
Variant type: single nucleotide variant.
Coding change: c.3434C>G on transcript NM_000059.4 (MANE Select); coding-DNA position 3434, C replaced by G.
Protein change: p.Pro1145Arg; replaces proline 1145 with arginine.
Molecular consequence: missense variant.
Genome position (GRCh38, 1-based): chr13:32,337,789, C>G. VCF-style: chr13-32337789-C-G. GRCh37 (hg19) VCF-style: chr13-32911926-C-G.
Other names: short protein forms P1145R.
Identifiers: ClinVar variation 933819 (VCV000933819.12), dbSNP rs431825306, ClinGen allele CA387776591.
Genomic context (GRCh38, chr13:32,337,789, plus strand): 5'-TTGAATTTACTCAGTTTAGAAAACCAAGCTACATATTGCAGAAGAGTACATTTGAAGTGC[C>G]TGAAAACCAGATGACTATCTTAAAGACCACTTCTGAGGAATGCAGAGATGCTGATCTTCA-3'
Protein context (NP_000050.3, residues 1135-1155): YILQKSTFEV[Pro1145Arg]ENQMTILKTT

ClinVar aggregate classification (germline): Conflicting classifications of pathogenicity. Review status: criteria provided, conflicting classifications (1 of 4 stars). 3 submissions from 3 submitters: Uncertain significance (2); Likely benign (1). Last evaluated 2025-03-13.

Conditions:
Hereditary cancer-predisposing syndrome. Also called: Neoplastic Syndromes, Hereditary; Hereditary Cancer Syndrome; Hereditary neoplastic syndrome; Tumor predisposition. Identifiers: Orphanet 140162, MedGen C0027672, MeSH D009386, MONDO:0015356.
Hereditary breast ovarian cancer syndrome. Also called: Hereditary breast and ovarian cancer syndrome; Hereditary breast and ovarian cancer syndrome (HBOC); Hereditary breast and/or ovarian cancer syndrome; Hereditary breast and ovarian cancer; BRCA1- and BRCA2-Associated Hereditary Breast and Ovarian Cancer; Breast and ovarian cancer. Identifiers: Orphanet 145, MedGen C0677776, MeSH D061325, MONDO:0003582. Disease mechanism: loss of function.

Submissions (3):

Ambry Genetics
Classification: Uncertain significance for Hereditary cancer-predisposing syndrome. Last evaluated: 2025-03-13. Review status: criteria provided, single submitter. Criteria: Ambry Variant Classification Scheme 2023. Collection method: clinical testing. Allele origin: germline.
Comment: The p.P1145R variant (also known as c.3434C>G), located in coding exon 10 of the BRCA2 gene, results from a C to G substitution at nucleotide position 3434. The proline at codon 1145 is replaced by arginine, an amino acid with dissimilar properties. This alteration was identified in an individual diagnosed with breast cancer (Santonocito C et al. Breast, 2017 Dec;36:74-78). This amino acid position is not well conserved in available vertebrate species. In addition, this alteration is predicted to be tolerated by in silico analysis. Based on the available evidence, the clinical significance of this variant remains unclear.

University of Washington Department of Laboratory Medicine, University of Washington
Classification: Likely benign for Hereditary cancer-predisposing syndrome. Last evaluated: 2023-03-23. Review status: criteria provided, single submitter. Criteria: Dines et al. (Genet Med. 2020). Collection method: curation. Allele origin: germline.
Comment: Missense variant in a coldspot region where missense variants are very unlikely to be pathogenic (PMID:31911673).

BRCA2 exon 11 coldspot. Reclassification based on statistical prior probability.

Labcorp Genetics (formerly Invitae), Labcorp
Classification: Uncertain significance for Hereditary breast ovarian cancer syndrome. Last evaluated: 2020-03-11. Review status: criteria provided, single submitter. Criteria: Invitae Variant Classification Sherloc (09022015). Collection method: clinical testing. Allele origin: germline.
Comment: This sequence change replaces proline with arginine at codon 1145 of the BRCA2 protein (p.Pro1145Arg). The proline residue is weakly conserved and there is a moderate physicochemical difference between proline and arginine. This variant is not present in population databases (ExAC no frequency). This variant has been observed in an individual affected with breast cancer (PMID: 29020660). Algorithms developed to predict the effect of missense changes on protein structure and function are either unavailable or do not agree on the potential impact of this missense change (SIFT: "Tolerated"; PolyPhen-2: "Possibly Damaging"; Align-GVGD: "Class C0"). In summary, the available evidence is currently insufficient to determine the role of this variant in disease. Therefore, it has been classified as a Variant of Uncertain Significance.

Literature cited by the submitters: PubMed 29020660 (cited by Ambry Genetics and Labcorp Genetics (formerly Invitae), Labcorp).